The following is an entry in ClinVar:

ClinVar aggregate classification (germline): Uncertain significance (1 of 4 stars; one submission).

Conditions:
Meckel-Gruber syndrome. Also called: Dysencephalia splachnocystica; DYSENCEPHALIA SPLANCHNOCYSTICA; GRUBER SYNDROME. Identifiers: Orphanet 564, MedGen C0265215, MONDO:0018921.
Joubert syndrome. Also called: Familial aplasia of the vermis; JOUBERT-BOLTSHAUSER SYNDROME. Identifiers: Orphanet 475, MedGen C5979921, MONDO:0018772.

Allele frequency attached by ClinVar (database versions not stated): TOPMed 0.00001.

Submission:

Labcorp Genetics (formerly Invitae), Labcorp
Classification: Uncertain significance for Joubert syndrome; Meckel-Gruber syndrome. Last evaluated: 2022-07-03. Review status: criteria provided, single submitter. Criteria: Invitae Variant Classification Sherloc (09022015). Collection method: clinical testing. Allele origin: germline.
Comment: This sequence change replaces isoleucine, which is neutral and non-polar, with leucine, which is neutral and non-polar, at codon 1053 of the CC2D2A protein (p.Ile1053Leu). This variant is present in population databases (rs148194457, gnomAD 0.0009%). This variant has not been reported in the literature in individuals affected with CC2D2A-related conditions. ClinVar contains an entry for this variant (Variation ID: 961913). Algorithms developed to predict the effect of missense changes on protein structure and function (SIFT, PolyPhen-2, Align-GVGD) all suggest that this variant is likely to be tolerated. In summary, the available evidence is currently insufficient to determine the role of this variant in disease. Therefore, it has been classified as a Variant of Uncertain Significance.

NM_001378615.1(CC2D2A):c.3157A>C (p.Ile1053Leu)

Genes: CC2D2A (coiled-coil and C2 domain containing 2A; plus strand), FBXL5 (F-box and leucine rich repeat protein 5; minus strand). Cytogenetic location: 4p15.32.
Variant type: single nucleotide variant.
Coding change: c.3157A>C on transcript NM_001378615.1 (MANE Select); coding-DNA position 3157, A replaced by C.
Protein change: p.Ile1053Leu; replaces isoleucine 1053 with leucine.
Molecular consequence: missense variant.
Genome position (GRCh38, 1-based): chr4:15,563,497, A>C. VCF-style: chr4-15563497-A-C. GRCh37 (hg19) VCF-style: chr4-15565120-A-C.
Other names: c.3157A>C, p.Ile1053Leu (NM_001080522.2); c.3010A>C, p.Ile1004Leu (NM_001378617.1); short protein forms I1004L, I1053L.
Identifiers: ClinVar variation 961913 (VCV000961913.7), dbSNP rs148194457, ClinGen allele CA2864087.